The following is an entry in ClinVar:

NM_014989.7(RIMS1):c.2165C>T (p.Pro722Leu)

Gene: RIMS1 (regulating synaptic membrane exocytosis 1; plus strand). Cytogenetic location: 6q13.
Variant type: single nucleotide variant.
Coding change: c.2165C>T on transcript NM_014989.7 (MANE Select); coding-DNA position 2165, C replaced by T.
Protein change: p.Pro722Leu; replaces proline 722 with leucine.
Molecular consequence: missense variant.
Genome position (GRCh38, 1-based): chr6:72,248,051, C>T. VCF-style: chr6-72248051-C-T. GRCh37 (hg19) VCF-style: chr6-72957754-C-T.
Other names: c.587C>T, p.Pro196Leu (NM_001168407.2, NM_001168408.2, NM_001350414.2 and 37 more transcripts); c.344C>T, p.Pro115Leu (NM_001168409.2, NM_001350461.2, NM_001350463.2 and 6 more transcripts); c.542C>T, p.Pro181Leu (NM_001168410.2, NM_001350470.2, NM_001350472.2 and 2 more transcripts); c.518C>T, p.Pro173Leu (NM_001350421.2, NM_001350424.2, NM_001350428.2 and 6 more transcripts); short protein forms P173L, P115L, P181L, P196L, P722L.
Identifiers: ClinVar variation 4716915 (VCV004716915.1).

ClinVar aggregate classification (germline): Uncertain significance (1 of 4 stars; one submission).

Submission:

Labcorp Genetics (formerly Invitae), Labcorp
Classification: Uncertain significance. Last evaluated: 2025-04-08. Review status: criteria provided, single submitter. Criteria: Invitae Variant Classification Sherloc (09022015). Collection method: clinical testing. Allele origin: germline.
Comment: This sequence change replaces proline, which is neutral and non-polar, with leucine, which is neutral and non-polar, at codon 722 of the RIMS1 protein (p.Pro722Leu). This variant is not present in population databases (gnomAD no frequency). This variant has not been reported in the literature in individuals affected with RIMS1-related conditions. An algorithm developed to predict the effect of missense changes on protein structure and function (PolyPhen-2) suggests that this variant is likely to be tolerated. In summary, the available evidence is currently insufficient to determine the role of this variant in disease. Therefore, it has been classified as a Variant of Uncertain Significance.